The following is an entry in ClinVar:

ClinVar aggregate classification (germline): Uncertain significance. Review status: criteria provided, multiple submitters, no conflicts (2 of 4 stars). 4 submissions from 4 submitters: Uncertain significance (4). Last evaluated 2026-03-20.

Conditions:
OTOGL-related disorder. Also called: OTOGL-related condition.

Allele frequency attached by ClinVar (database versions not stated): TOPMed 0.00010; ExAC 0.00013; gnomAD exomes 0.00014 and 0.00021; gnomAD 0.00015 and 0.00016; ESP Exome Variant Server 0.00016.
gnomAD v4.1: 333 of 1,612,996 alleles (0.021%); highest among the groups gnomAD compares: Non-Finnish European, 0.026%; no homozygotes.

Submissions (4):

PreventionGenetics, part of Exact Sciences
Classification: Uncertain significance for OTOGL-related condition. Last evaluated: 2026-03-20. Review status: criteria provided, single submitter. Criteria: ACMG Guidelines, 2015. Collection method: clinical testing. Allele origin: germline.
Comment: The OTOGL c.2533T>C variant is predicted to result in the amino acid substitution p.Phe845Leu. This variant was reported along with a second potentially causative variant in an individual with hearing loss (Zazo Seco et al. 2016. PubMed ID: 28000701). This variant is reported in 0.027% of alleles in individuals of European (Non-Finnish) descent in gnomAD, which is higher than expected for a pathogenic variant in this gene. At this time, the clinical significance of this variant is uncertain due to the absence of conclusive functional and genetic evidence.

Labcorp Genetics (formerly Invitae), Labcorp
Classification: Uncertain significance. Last evaluated: 2022-05-06. Review status: criteria provided, single submitter. Criteria: Invitae Variant Classification Sherloc (09022015). Collection method: clinical testing. Allele origin: germline.
Comment: This sequence change replaces phenylalanine, which is neutral and non-polar, with leucine, which is neutral and non-polar, at codon 845 of the OTOGL protein (p.Phe845Leu). In summary, the available evidence is currently insufficient to determine the role of this variant in disease. Therefore, it has been classified as a Variant of Uncertain Significance. Algorithms developed to predict the effect of missense changes on protein structure and function (SIFT, PolyPhen-2, Align-GVGD) all suggest that this variant is likely to be tolerated. ClinVar contains an entry for this variant (Variation ID: 425013). This missense change has been observed in individual(s) with deafness (PMID: 28000701). This variant is present in population databases (rs201487127, gnomAD 0.03%).

Laboratory for Molecular Medicine, Mass General Brigham Personalized Medicine
Classification: Uncertain significance. Last evaluated: 2019-07-09. Review status: criteria provided, single submitter. Criteria: LMM Criteria. Collection method: clinical testing. Allele origin: germline. Observed: 2 variant alleles.
Comment: This variant has also been identified in 0.02% (34/125554) of European chromosomes by gnomAD, and has been reported as a variant of uncertain significance in ClinVar (Variation ID 425013). Computational prediction tools and conservation analysis suggest that the p.Phe845Leu variant may not impact the protein, though this information is not predictive enough to rule out pathogenicity. In summary, the clinical significance of the p.Phe845Leu variant is uncertain. ACMG/AMP Criteria applied: PM2_Supporting, BP4.

CeGaT Center for Human Genetics Tuebingen
Classification: Uncertain significance. Last evaluated: 2016-10-01. Review status: criteria provided, single submitter. Criteria: CeGaT Center For Human Genetics Tuebingen Variant Classification Criteria Version 2. Collection method: clinical testing. Allele origin: germline. Affected: yes. Observed: 1 variant allele.

Literature cited by the submitters: PubMed 28000701 (cited by Labcorp Genetics (formerly Invitae), Labcorp).

NM_001378609.3(OTOGL):c.2560T>C (p.Phe854Leu)

Gene: OTOGL (otogelin like; plus strand). Cytogenetic location: 12q21.31.
Variant type: single nucleotide variant.
Coding change: c.2560T>C on transcript NM_001378609.3 (MANE Select); coding-DNA position 2560, T replaced by C.
Protein change: p.Phe854Leu; replaces phenylalanine 854 with leucine.
Molecular consequence: missense variant.
Genome position (GRCh38, 1-based): chr12:80,271,689, T>C. VCF-style: chr12-80271689-T-C. GRCh37 (hg19) VCF-style: chr12-80665469-T-C.
Other names: c.2560T>C, p.Phe854Leu (NM_001368062.3, NM_001378610.3, NM_173591.7); short protein forms F845L, F854L.
Identifiers: ClinVar variation 425013 (VCV000425013.54), dbSNP rs201487127, ClinGen allele CA6700845.